The following is an entry in ClinVar:

ClinVar aggregate classification (germline): Uncertain significance (1 of 4 stars; one submission).

Conditions:
Charcot-Marie-Tooth disease type 2. Also called: Charcot-Marie-Tooth type 2. Identifiers: Orphanet 64746, MedGen C0270914, MONDO:0018993.

Allele frequency attached by ClinVar (database versions not stated): TOPMed below 0.00001; gnomAD 0.00001.
gnomAD v4.1: 1 of 1,614,084 alleles (0.000062%); highest among the groups gnomAD compares: Non-Finnish European, 0.000085%; no homozygotes.

Submission:

Labcorp Genetics (formerly Invitae), Labcorp
Classification: Uncertain significance for Charcot-Marie-Tooth disease type 2. Last evaluated: 2024-12-12. Review status: criteria provided, single submitter. Criteria: Invitae Variant Classification Sherloc (09022015). Collection method: clinical testing. Allele origin: germline.
Comment: This sequence change replaces phenylalanine, which is neutral and non-polar, with leucine, which is neutral and non-polar, at codon 661 of the MFN2 protein (p.Phe661Leu). This variant is not present in population databases (gnomAD no frequency). This variant has not been reported in the literature in individuals affected with MFN2-related conditions. ClinVar contains an entry for this variant (Variation ID: 1006464). Invitae Evidence Modeling of protein sequence and biophysical properties (such as structural, functional, and spatial information, amino acid conservation, physicochemical variation, residue mobility, and thermodynamic stability) has been performed for this missense variant. However, the output from this modeling did not meet the statistical confidence thresholds required to predict the impact of this variant on MFN2 protein function. In summary, the available evidence is currently insufficient to determine the role of this variant in disease. Therefore, it has been classified as a Variant of Uncertain Significance.

NM_014874.4(MFN2):c.1981T>C (p.Phe661Leu)

Gene: MFN2 (mitofusin 2; plus strand). Cytogenetic location: 1p36.22.
Variant type: single nucleotide variant.
Coding change: c.1981T>C on transcript NM_014874.4 (MANE Select); coding-DNA position 1981, T replaced by C.
Protein change: p.Phe661Leu; replaces phenylalanine 661 with leucine.
Molecular consequence: missense variant.
Genome position (GRCh38, 1-based): chr1:12,007,161, T>C. VCF-style: chr1-12007161-T-C. GRCh37 (hg19) VCF-style: chr1-12067218-T-C.
Other names: c.1981T>C, p.Phe661Leu (NM_001127660.2); short protein forms F661L.
Identifiers: ClinVar variation 1006464 (VCV001006464.8), dbSNP rs1204925465, ClinGen allele CA338451294.